The following is an entry in ClinVar:

NM_001378609.3(OTOGL):c.1981G>A (p.Val661Met)

Gene: OTOGL (otogelin like; plus strand). Cytogenetic location: 12q21.31.
Variant type: single nucleotide variant.
Coding change: c.1981G>A on transcript NM_001378609.3 (MANE Select); coding-DNA position 1981, G replaced by A.
Protein change: p.Val661Met; replaces valine 661 with methionine.
Molecular consequence: missense variant.
Genome position (GRCh38, 1-based): chr12:80,262,060, G>A. VCF-style: chr12-80262060-G-A. GRCh37 (hg19) VCF-style: chr12-80655840-G-A.
Other names: p.Val652Met; c.1981G>A, p.Val661Met (NM_001368062.3, NM_001378610.3, NM_173591.7); short protein forms V661M.
Identifiers: ClinVar variation 1182446 (VCV001182446.22), dbSNP rs57587257, ClinGen allele CA6700634.
Genomic context (GRCh38, chr12:80,262,060, plus strand): 5'-CAACTTCACGCAAATGCGTGGAGAGTTTCTTCTACCTGTTTTGCACCTGTTCATGTCCCA[G>A]TGGTGGACCCCTGTAACATCAATCAACAAAACAGTAAGTTTTGCATGTAAACTTCCTTTC-3'
Protein context (NP_001365538.2, residues 651-671): STCFAPVHVP[Val661Met]VDPCNINQQN

ClinVar aggregate classification (germline): Benign/Likely benign. Review status: criteria provided, multiple submitters, no conflicts (2 of 4 stars). 7 submissions from 7 submitters: Benign (4); Likely benign (3). Last evaluated 2025-12-16.

Conditions:
Inborn genetic diseases. Identifiers: MedGen C0950123, MeSH D030342.

Allele frequency attached by ClinVar (database versions not stated): gnomAD exomes 0.00057; ExAC 0.00079; 1000 Genomes Project 30x 0.00187; 1000 Genomes Project 0.00220; ESP Exome Variant Server 0.00225; TOPMed 0.00272.
gnomAD v4.1: 699 of 1,612,350 alleles (0.043%); highest among the groups gnomAD compares: African/African-American, 0.82%; 6 homozygotes.

Submissions (7):

Labcorp Genetics (formerly Invitae), Labcorp
Classification: Benign. Last evaluated: 2025-12-16. Review status: criteria provided, single submitter. Criteria: Invitae Variant Classification Sherloc (09022015). Collection method: clinical testing. Allele origin: germline.

CeGaT Center for Human Genetics Tuebingen
Classification: Likely benign. Last evaluated: 2025-09-01. Review status: criteria provided, single submitter. Criteria: CeGaT Center For Human Genetics Tuebingen Variant Classification Criteria Version 2. Collection method: clinical testing. Allele origin: germline. Affected: yes. Observed: 1 variant allele.
Comment: OTOGL: BP4, BS2

Mayo Clinic Laboratories, Mayo Clinic
Classification: Benign. Last evaluated: 2024-10-16. Review status: criteria provided, single submitter. Criteria: ACMG Guidelines, 2015. Collection method: clinical testing. Allele origin: germline. Observed: 1 variant allele.
Comment: BA1, BS2

Blueprint Genetics
Classification: Likely benign. Last evaluated: 2024-10-09. Review status: criteria provided, single submitter. Criteria: ACMG Guidelines, 2015. Collection method: clinical testing. Allele origin: germline.

Ambry Genetics
Classification: Likely benign for Inborn genetic diseases. Last evaluated: 2023-06-06. Review status: criteria provided, single submitter. Criteria: Ambry Variant Classification Scheme 2023. Collection method: clinical testing. Allele origin: germline.

GeneDx
Classification: Benign. Last evaluated: 2019-08-05. Review status: criteria provided, single submitter. Criteria: GeneDx Variant Classification Process June 2021. Collection method: clinical testing. Allele origin: germline. Affected: yes.

Breakthrough Genomics
Classification: Benign. Review status: criteria provided, single submitter. Criteria: ACMG Guidelines, 2015. Collection method: not provided. Allele origin: germline. Inheritance: Autosomal recessive inheritance. Affected: yes.